The following is an entry in ClinVar:

ClinVar aggregate classification (germline): Uncertain significance (1 of 4 stars; one submission).

Conditions:
Inborn genetic diseases. Identifiers: MedGen C0950123, MeSH D030342.

Allele frequency attached by ClinVar (database versions not stated): gnomAD exomes below 0.00001.
gnomAD v4.1: 1 of 1,613,812 alleles (0.000062%); highest among the groups gnomAD compares: Non-Finnish European, 0.000085%; no homozygotes.

Submission:

Ambry Genetics
Classification: Uncertain significance for Inborn genetic diseases. Last evaluated: 2023-10-08. Review status: criteria provided, single submitter. Criteria: Ambry Variant Classification Scheme 2023. Collection method: clinical testing. Allele origin: germline.
Comment: The p.S314G variant (also known as c.940A>G), located in coding exon 8 of the LRRK2 gene, results from an A to G substitution at nucleotide position 940. The serine at codon 314 is replaced by glycine, an amino acid with similar properties. This amino acid position is conserved. In addition, this alteration is predicted to be tolerated by in silico analysis. Since supporting evidence is limited at this time, the clinical significance of this alteration remains unclear.

NM_198578.4(LRRK2):c.940A>G (p.Ser314Gly)

Gene: LRRK2 (leucine rich repeat kinase 2; plus strand). Cytogenetic location: 12q12.
Variant type: single nucleotide variant.
Coding change: c.940A>G on transcript NM_198578.4 (MANE Select); coding-DNA position 940, A replaced by G.
Protein change: p.Ser314Gly; replaces serine 314 with glycine.
Molecular consequence: missense variant.
Genome position (GRCh38, 1-based): chr12:40,249,927, A>G. VCF-style: chr12-40249927-A-G. GRCh37 (hg19) VCF-style: chr12-40643729-A-G.
Other names: short protein forms S314G.
Identifiers: ClinVar variation 1766872 (VCV001766872.2), dbSNP rs2499493315, ClinGen allele CA384407425.
Genomic context (GRCh38, chr12:40,249,927, plus strand): 5'-TTTGTGGTGAAAGCTGTGCAGCAGTACCCAGAGAATGCAGCATTGCAGATCTCAGCGCTC[A>G]GCTGTTTGGCCCTCCTCAGTAAGTAACTTCACTAAAAAGGGGATTCTTACAGAGGCATTT-3'
Protein context (NP_940980.4, residues 304-324): ENAALQISAL[Ser314Gly]CLALLTETIF